The following is an entry in ClinVar:

ClinVar aggregate classification (germline): Uncertain significance (1 of 4 stars; one submission).

Submission:

Labcorp Genetics (formerly Invitae), Labcorp
Classification: Uncertain significance. Last evaluated: 2024-03-11. Review status: criteria provided, single submitter. Criteria: Invitae Variant Classification Sherloc (09022015). Collection method: clinical testing. Allele origin: germline.
Comment: This sequence change replaces glutamic acid, which is acidic and polar, with valine, which is neutral and non-polar, at codon 30 of the STAG1 protein (p.Glu30Val). This variant is not present in population databases (gnomAD no frequency). This variant has not been reported in the literature in individuals affected with STAG1-related conditions. Advanced modeling of protein sequence and biophysical properties (such as structural, functional, and spatial information, amino acid conservation, physicochemical variation, residue mobility, and thermodynamic stability) performed at Invitae indicates that this missense variant is not expected to disrupt STAG1 protein function with a negative predictive value of 95%. In summary, the available evidence is currently insufficient to determine the role of this variant in disease. Therefore, it has been classified as a Variant of Uncertain Significance.

NM_005862.3(STAG1):c.89A>T (p.Glu30Val)

Gene: STAG1 (STAG1 cohesin complex component; minus strand). Cytogenetic location: 3q22.3.
Variant type: single nucleotide variant.
Coding change: c.89A>T on transcript NM_005862.3 (MANE Select); coding-DNA position 89, A replaced by T.
Protein change: p.Glu30Val; replaces glutamic acid 30 with valine.
Molecular consequence: missense variant.
Genome position (GRCh38, 1-based): chr3:136,623,189, T>A on the plus strand (A>T on the coding strand, the complement: STAG1 is on the minus strand). VCF-style: chr3-136623189-T-A. GRCh37 (hg19) VCF-style: chr3-136342031-T-A.
Other names: short protein forms E30V.
Identifiers: ClinVar variation 2708058 (VCV002708058.3), dbSNP rs2472724666, ClinGen allele CA354745302.